The following is an entry in ClinVar:

ClinVar aggregate classification (germline): Likely benign (1 of 4 stars; one submission).

Allele frequency attached by ClinVar (database versions not stated): gnomAD exomes 0.00005; ExAC 0.00006; 1000 Genomes Project 0.00040.
gnomAD v4.1: 83 of 1,612,942 alleles (0.0051%); highest among the groups gnomAD compares: South Asian, 0.025%; no homozygotes.

Submission:

CeGaT Center for Human Genetics Tuebingen
Classification: Likely benign. Last evaluated: 2022-05-01. Review status: criteria provided, single submitter. Criteria: CeGaT Center For Human Genetics Tuebingen Variant Classification Criteria Version 2. Collection method: clinical testing. Allele origin: germline. Affected: yes. Observed: 1 variant allele.
Comment: TNRC6A: BP4, BP7

NM_014494.4(TNRC6A):c.285A>G (p.Pro95=)

Gene: TNRC6A (trinucleotide repeat containing adaptor 6A; plus strand). Cytogenetic location: 16p12.1.
Variant type: single nucleotide variant.
Coding change: c.285A>G on transcript NM_014494.4 (MANE Select); coding-DNA position 285, A replaced by G.
Protein change: p.Pro95=; no amino-acid change (proline 95 retained).
Molecular consequence: synonymous variant.
Genome position (GRCh38, 1-based): chr16:24,777,054, A>G. VCF-style: chr16-24777054-A-G. GRCh37 (hg19) VCF-style: chr16-24788375-A-G.
Other names: c.285A>G, p.Pro95= (NM_001330520.3, NM_020847.1); c.312A>G, p.Pro104= (NM_001351850.2).
Identifiers: ClinVar variation 2646334 (VCV002646334.24), dbSNP rs573912317, ClinGen allele CA7968279.